The following is an entry in ClinVar:

ClinVar aggregate classification (germline): Uncertain significance (1 of 4 stars; one submission).

Conditions:
Hereditary cancer-predisposing syndrome. Also called: Neoplastic Syndromes, Hereditary; Tumor predisposition; Hereditary Cancer Syndrome; Hereditary neoplastic syndrome. Identifiers: Orphanet 140162, MedGen C0027672, MeSH D009386, MONDO:0015356.

Submission:

Ambry Genetics
Classification: Uncertain significance for Hereditary cancer-predisposing syndrome. Last evaluated: 2025-09-26. Review status: criteria provided, single submitter. Criteria: Ambry Variant Classification Scheme 2023. Collection method: clinical testing. Allele origin: germline.
Comment: The p.Q564H variant (also known as c.1692G>T), located in coding exon 8 of the BARD1 gene, results from a G to T substitution at nucleotide position 1692. The glutamine at codon 564 is replaced by histidine, an amino acid with highly similar properties. This amino acid position is well conserved in available vertebrate species. In addition, the in silico prediction for this alteration is inconclusive. Based on the available evidence, the clinical significance of this variant remains unclear.

Literature cited by the submitters: PubMed 17848578; PubMed 26022179.

NM_000465.4(BARD1):c.1692G>T (p.Gln564His)

Gene: BARD1 (BRCA1 associated RING domain 1; minus strand). Cytogenetic location: 2q35.
Variant type: single nucleotide variant.
Coding change: c.1692G>T on transcript NM_000465.4 (MANE Select); coding-DNA position 1692, G replaced by T.
Protein change: p.Gln564His; replaces glutamine 564 with histidine.
Molecular consequence: missense variant. On other transcripts: non-coding transcript variant (3), intron variant (1).
Genome position (GRCh38, 1-based): chr2:214,745,840, C>A on the plus strand (G>T on the coding strand, the complement: BARD1 is on the minus strand). VCF-style: chr2-214745840-C-A. GRCh37 (hg19) VCF-style: chr2-215610564-C-A.
Other names: c.282G>T, p.Gln94His (NM_001282548.2); c.365-15332G>T (NM_001282549.2); c.339G>T, p.Gln113His (NM_001282545.2); c.1635G>T, p.Gln545His (NM_001282543.2); short protein forms Q113H, Q545H, Q94H, Q564H.
Identifiers: ClinVar variation 4621573 (VCV004621573.1).